The following is an entry in ClinVar:

NM_003839.4(TNFRSF11A):c.758C>T (p.Ala253Val)

Gene: TNFRSF11A (TNF receptor superfamily member 11a; plus strand). Cytogenetic location: 18q21.33.
Variant type: single nucleotide variant.
Coding change: c.758C>T on transcript NM_003839.4 (MANE Select); coding-DNA position 758, C replaced by T.
Protein change: p.Ala253Val; replaces alanine 253 with valine.
Molecular consequence: missense variant. On other transcripts: intron variant (2).
Genome position (GRCh38, 1-based): chr18:62,366,735, C>T. VCF-style: chr18-62366735-C-T. GRCh37 (hg19) VCF-style: chr18-60033968-C-T.
Other names: c.758C>T, p.Ala253Val (NM_001270949.2); c.716C>T, p.Ala239Val (NM_001278268.2); c.730+4942C>T (NM_001270950.2); c.616+6686C>T (NM_001270951.2); short protein forms A239V, A253V.
Identifiers: ClinVar variation 2901248 (VCV002901248.4), dbSNP rs1487127372, ClinGen allele CA402615089.

ClinVar aggregate classification (germline): Uncertain significance. Review status: criteria provided, multiple submitters, no conflicts (2 of 4 stars). 2 submissions from 2 submitters: Uncertain significance (2). Last evaluated 2025-06-22.

Conditions:
Inborn genetic diseases. Identifiers: MedGen C0950123, MeSH D030342.

Allele frequency attached by ClinVar (database versions not stated): gnomAD exomes below 0.00001.
gnomAD v4.1: 1 of 1,614,174 alleles (0.000062%); highest among the groups gnomAD compares: Admixed American, 0.0017%; no homozygotes.

Submissions (2):

Ambry Genetics
Classification: Uncertain significance for Inborn genetic diseases. Last evaluated: 2025-06-22. Review status: criteria provided, single submitter. Criteria: Ambry Variant Classification Scheme 2023. Collection method: clinical testing. Allele origin: germline.

Labcorp Genetics (formerly Invitae), Labcorp
Classification: Uncertain significance. Last evaluated: 2022-12-18. Review status: criteria provided, single submitter. Criteria: Invitae Variant Classification Sherloc (09022015). Collection method: clinical testing. Allele origin: germline.
Comment: This sequence change replaces alanine, which is neutral and non-polar, with valine, which is neutral and non-polar, at codon 253 of the TNFRSF11A protein (p.Ala253Val). This variant is present in population databases (no rsID available, gnomAD 0.003%). This variant has not been reported in the literature in individuals affected with TNFRSF11A-related conditions. Advanced modeling of protein sequence and biophysical properties (such as structural, functional, and spatial information, amino acid conservation, physicochemical variation, residue mobility, and thermodynamic stability) performed at Invitae indicates that this missense variant is not expected to disrupt TNFRSF11A protein function. Algorithms developed to predict the effect of sequence changes on RNA splicing suggest that this variant may disrupt the consensus splice site. In summary, the available evidence is currently insufficient to determine the role of this variant in disease. Therefore, it has been classified as a Variant of Uncertain Significance.